The following is an entry in ClinVar:

NM_000257.4(MYH7):c.2286+12A>T

Gene: MYH7 (myosin heavy chain 7; minus strand). Cytogenetic location: 14q11.2.
Variant type: single nucleotide variant.
Coding change: c.2286+12A>T on transcript NM_000257.4 (MANE Select); 12 bases into the intron after coding-DNA position 2286, A replaced by T.
Molecular consequence: intron variant.
Genome position (GRCh38, 1-based): chr14:23,425,683, T>A on the plus strand (A>T on the coding strand, the complement: MYH7 is on the minus strand). VCF-style: chr14-23425683-T-A. GRCh37 (hg19) VCF-style: chr14-23894892-T-A.
Identifiers: ClinVar variation 2033985 (VCV002033985.4), dbSNP rs2502287797, ClinGen allele CA2580087999.

ClinVar aggregate classification (germline): Uncertain significance (1 of 4 stars; one submission).

Conditions:
Hypertrophic cardiomyopathy. Also called: HYPERTROPHIC MYOCARDIOPATHY. Identifiers: Orphanet 217569, MedGen C0007194, MeSH D002312, MONDO:0005045, HP:0001639.

Submission:

Labcorp Genetics (formerly Invitae), Labcorp
Classification: Uncertain significance for Hypertrophic cardiomyopathy. Last evaluated: 2022-10-04. Review status: criteria provided, single submitter. Criteria: Invitae Variant Classification Sherloc (09022015). Collection method: clinical testing. Allele origin: germline.
Comment: In summary, the available evidence is currently insufficient to determine the role of this variant in disease. Therefore, it has been classified as a Variant of Uncertain Significance. Algorithms developed to predict the effect of sequence changes on RNA splicing suggest that this variant may create or strengthen a splice site. This variant has not been reported in the literature in individuals affected with MYH7-related conditions. This variant is not present in population databases (gnomAD no frequency). This sequence change falls in intron 20 of the MYH7 gene. It does not directly change the encoded amino acid sequence of the MYH7 protein.